The following is an entry in ClinVar:

ClinVar aggregate classification (germline): Likely benign. Review status: criteria provided, multiple submitters, no conflicts (2 of 4 stars). 2 submissions from 2 submitters: Likely benign (2). Last evaluated 2022-05-27.

Conditions:
Familial thoracic aortic aneurysm and aortic dissection (TAAD). Also called: Thoracic aortic aneurysms and dissections. Identifiers: Orphanet 91387, MedGen C4707243, MONDO:0019625.

Submissions (2):

Labcorp Genetics (formerly Invitae), Labcorp
Classification: Likely benign for Familial thoracic aortic aneurysm and aortic dissection. Last evaluated: 2022-05-27. Review status: criteria provided, single submitter. Criteria: Invitae Variant Classification Sherloc (09022015). Collection method: clinical testing. Allele origin: germline.

GeneDx
Classification: Likely benign. Last evaluated: 2019-12-10. Review status: criteria provided, single submitter. Criteria: GeneDx Variant Classification Process June 2021. Collection method: clinical testing. Allele origin: germline. Affected: yes.
Comment: This variant is associated with the following publications: (PMID: 25116393)

NM_004612.4(TGFBR1):c.97+27_97+41dup

Gene: TGFBR1 (transforming growth factor beta receptor 1; plus strand). Cytogenetic location: 9q22.33.
Variant type: Duplication.
Coding change: c.97+27_97+41dup on transcript NM_004612.4 (MANE Select); bases 27 to 41 of the intron after coding-DNA position 97, 15 bases duplicated (ACTGCGGGGCGCGCG).
Molecular consequence: intron variant.
Genome position (GRCh38, 1-based): chr9:99,105,329-99,105,343, ACTGCGGGGCGCGCG duplicated; duplicating any 15 consecutive bases within chr9:99,105,326-99,105,343 gives the same sequence; the c. name uses the placement nearest the transcript's 3' end. VCF-style (leftmost placement, unchanged base first): chr9-99105325-G-GGCGACTGCGGGGCGC. GRCh37 (hg19) VCF-style: chr9-101867607-G-GGCGACTGCGGGGCGC.
Other names: c.97+27_97+41dup (NM_001306210.2, NM_001130916.3).
Identifiers: ClinVar variation 668314 (VCV000668314.10), dbSNP rs1554695435, ClinGen allele CA196864836.